The following is an entry in ClinVar:

ClinVar aggregate classification (germline): Uncertain significance. Review status: criteria provided, multiple submitters, no conflicts (2 of 4 stars). 2 submissions from 2 submitters: Uncertain significance (2). Last evaluated 2025-06-30.

Conditions:
Hereditary cancer-predisposing syndrome. Also called: Hereditary Cancer Syndrome; Tumor predisposition; Hereditary neoplastic syndrome; Neoplastic Syndromes, Hereditary. Identifiers: Orphanet 140162, MedGen C0027672, MeSH D009386, MONDO:0015356.
Neuroblastoma, susceptibility to, 3. Also called: ALK-Related Neuroblastic Tumor Susceptibility. Identifiers: Orphanet 635, MedGen C2751681, MONDO:0013083, OMIM 613014.

Submissions (2):

Ambry Genetics
Classification: Uncertain significance for Hereditary cancer-predisposing syndrome. Last evaluated: 2025-06-30. Review status: criteria provided, single submitter. Criteria: Ambry Variant Classification Scheme 2023. Collection method: clinical testing. Allele origin: germline.
Comment: The p.M1302T variant (also known as c.3905T>C), located in coding exon 26 of the ALK gene, results from a T to C substitution at nucleotide position 3905. The methionine at codon 1302 is replaced by threonine, an amino acid with similar properties. This amino acid position is conserved. In addition, the in silico prediction for this alteration is inconclusive. Based on the available evidence, the clinical significance of this variant remains unclear.

Labcorp Genetics (formerly Invitae), Labcorp
Classification: Uncertain significance for Neuroblastoma, susceptibility to, 3. Last evaluated: 2024-10-22. Review status: criteria provided, single submitter. Criteria: Invitae Variant Classification Sherloc (09022015). Collection method: clinical testing. Allele origin: germline.
Comment: This sequence change replaces methionine, which is neutral and non-polar, with threonine, which is neutral and polar, at codon 1302 of the ALK protein (p.Met1302Thr). This variant is not present in population databases (gnomAD no frequency). This variant has not been reported in the literature in individuals affected with ALK-related conditions. An algorithm developed to predict the effect of missense changes on protein structure and function (PolyPhen-2) suggests that this variant is likely to be disruptive. In summary, the available evidence is currently insufficient to determine the role of this variant in disease. Therefore, it has been classified as a Variant of Uncertain Significance.

NM_004304.5(ALK):c.3905T>C (p.Met1302Thr)

Gene: ALK (ALK receptor tyrosine kinase; minus strand). Cytogenetic location: 2p23.2.
Variant type: single nucleotide variant.
Coding change: c.3905T>C on transcript NM_004304.5 (MANE Select); coding-DNA position 3905, T replaced by C.
Protein change: p.Met1302Thr; replaces methionine 1302 with threonine.
Molecular consequence: missense variant.
Genome position (GRCh38, 1-based): chr2:29,207,204, A>G on the plus strand (T>C on the coding strand, the complement: ALK is on the minus strand). VCF-style: chr2-29207204-A-G. GRCh37 (hg19) VCF-style: chr2-29430070-A-G.
Other names: c.3905T>C (NM_004304.4); c.701T>C, p.Met234Thr (NM_001353765.2); short protein forms M1302T, M234T.
Identifiers: ClinVar variation 3675767 (VCV003675767.3).